The following is an entry in ClinVar:

ClinVar aggregate classification (germline): Pathogenic. Review status: criteria provided, multiple submitters, no conflicts (2 of 4 stars). 17 submissions from 16 submitters: Pathogenic (15). 2 of the submissions do not count toward it. Last evaluated 2026-08-01.

Conditions:
KIF21A-related disorder. Also called: KIF21A-related condition.
Inborn genetic diseases. Identifiers: MedGen C0950123, MeSH D030342.
Congenital fibrosis of extraocular muscles type 1. Also called: CFEOM3B; BLEPHAROPTOSIS WITH ABSENT EYE MOVEMENTS; OPHTHALMOPLEGIA, CONGENITAL; FEOM1 LOCUS. Identifiers: MedGen C1851102, MONDO:0021083, OMIM 135700.
Fibrosis of extraocular muscles, congenital, 3b. Identifiers: MedGen C2751105, MONDO:0800209.

Allele frequency attached by ClinVar (database versions not stated): gnomAD exomes below 0.00001.
gnomAD v4.1: 1 of 1,613,318 alleles (0.000062%); highest among the groups gnomAD compares: Non-Finnish European, 0.000085%; no homozygotes.

Submissions 1 to 7 of 17:

CeGaT Center for Human Genetics Tuebingen
Classification: Pathogenic. Last evaluated: 2026-08-01. Review status: criteria provided, single submitter. Criteria: CeGaT Center For Human Genetics Tuebingen Variant Classification Criteria Version 2. Collection method: clinical testing. Allele origin: germline. Affected: yes. Observed: 2 variant alleles.
Comment: KIF21A: PS4, PM2, PM5, PM1:Supporting, PP3

Ambry Genetics
Classification: Pathogenic for Inborn genetic diseases. Last evaluated: 2026-05-02. Review status: criteria provided, single submitter. Criteria: Ambry Variant Classification Scheme 2023. Collection method: clinical testing. Allele origin: germline.
Comment: The c.2821C>T (p.R941W) alteration is located in exon 20 (coding exon 20) of the KIF21A gene. This alteration results from a C to T substitution at nucleotide position 2821, causing the arginine (R) at amino acid position 941 to be replaced by a tryptophan (W). for autosomal dominant KIF21A-related congenital fibrosis of extraocular muscles; however, its clinical significance for autosomal recessive KIF21A-related arthrogryposis multiplex congenita is uncertain. This variant was not reported in population-based cohorts in the Genome Aggregation Database (gnomAD). This variant was reported in individual(s) with features consistent with KIF21A-related congenital fibrosis of extraocular muscles; in at least one individual, it was determined to be de novo (Yamada, 2003; Al-Haddad, 2021; Chen, 2023). Note, this variant is also referred to as c.2860C>T (p.R954W) in the literature. Other variant(s) at the same codon, c.2822G>T (p.R941L) [also referred to as c.2861G>T (p.R954L) in the literature] and c.2822G>A (p.R954Q) [also referred to as c.2861G>A (p.R954Q) in the literature] have been identified in individual(s) with features consistent with KIF21A-related congenital fibrosis of extraocular muscles (Yamada, 2003; Chan, 2007). This amino acid position is highly conserved in available vertebrate species. This alteration is predicted to be deleterious by in silico analysis. Based on the available evidence, this alteration is classified as pathogenic.

PreventionGenetics, part of Exact Sciences
Classification: Pathogenic for KIF21A-related condition. Last evaluated: 2026-04-23. Review status: criteria provided, single submitter. Criteria: ACMG Guidelines, 2015. Collection method: clinical testing. Allele origin: germline.
Comment: The KIF21A c.2860C>T variant is predicted to result in the amino acid substitution p.Arg954Trp. This variant is the most commonly reported variant in individuals with autosomal dominant congenital fibrosis of the extraocular muscles (Yamada et al. 2003. PubMed ID: 14595441; Rudolph et al. 2009. PubMed ID: 19551685; Yang et al. 2010. PubMed ID: 21042561). This variant is absent in a large population database, indicating it is rare. This variant has been classified as pathogenic by multiple independent submitters to the ClinVar database (Variation ID: 2436). Given all the evidence, we interpret this variant as pathogenic.

Institute of Human Genetics, University of Leipzig Medical Center
Classification: Pathogenic for Congenital fibrosis of extraocular muscles type 1. Last evaluated: 2024-08-01. Review status: criteria provided, single submitter. Criteria: ACMG Guidelines, 2015. Collection method: clinical testing. Allele origin: maternal. Inheritance: Autosomal dominant inheritance. Affected: yes.
Comment: Criteria applied: PS2_VSTR,PP1_VSTR,PS4,PS3_MOD,PM5,PM2_SUP,PP3

Broad Center for Mendelian Genomics, Broad Institute of MIT and Harvard
Classification: Pathogenic for Congenital fibrosis of extraocular muscles type 1. Last evaluated: 2024-03-12. Review status: criteria provided, single submitter. Criteria: ACMG Guidelines, 2015. Collection method: curation. Allele origin: germline. Inheritance: Autosomal dominant inheritance.
Comment: The heterozygous p.Arg954Trp variant in KIF21A (also known as p.Arg941Trp due to a difference in cDNA numbering) was identified by our study in 4 family members with congenital fibrosis of the extraocular muscles, via a collaborative study between the Broad Institute's Center for Mendelian Genomics and the Engle lab. The p.Arg954Trp variant in KIF21A has been previously reported in over 30 unrelated individuals with congenital fibrosis of the extraocular muscles (PMID: 14595441) and segregated with disease in over 133 affected relatives from 21 families (PMID: 14595441). The number of reported affected individuals with this variant is greater than expected compared to non-affected individuals with this variant. This variant has been reported de novo in over 8 individuals with confirmed paternity and maternity (PMID: 14595441). This variant has also been reported in ClinVar (Variation ID: 2436) and has been interpreted as pathogenic by multiple submitters. This variant was absent from large population studies. Multiple variants in the same region as the p.Arg954Trp variant have been reported in association with disease in the literature and in ClinVar and the p.Arg954Trp variant is located in a region of KIF21A that is essential to kinesin dimerization, suggesting that this variant is in a hotspot and functional domain and slightly supports pathogenicity (PMID: 14595441, ClinVar Variation ID: 2440, 2441, 2442). One additional pathogenic variant, resulting in a different amino acid change at the same position, p.Arg954Gln, has been reported in in association with disease in the literature and in ClinVar, slightly supporting that a change at this position may not be tolerated (PMID: 14595441, Variation ID: 2437). Animal models in mice have shown that this variant causes congenital fibrosis of the extraocular muscles (PMID: 24656932). Computational prediction tools and conservation analyses suggest that this variant may impact the protein, though this information is not predictive enough to determine pathogenicity. In summary, this variant meets criteria to be classified as pathogenic for autosomal dominant congenital fibrosis of the extraocular muscles type 1. ACMG/AMP Criteria applied: PS2_VeryStrong, PS3, PS4, PM1_Supporting, PM2_Supporting, PM5_Supporting, PP1_Strong, PP3 (Richards 2015).

Clinical Genomics Laboratory, Washington University in St. Louis
Classification: Pathogenic for Congenital fibrosis of extraocular muscles type 1. Last evaluated: 2024-02-13. Review status: criteria provided, single submitter. Criteria: ACMG Guidelines, 2015. Collection method: clinical testing. Allele origin: germline. Affected: yes.
Comment: The KIF21A c.2860C>T (p.Arg954Trp) variant has been reported in over 30 individuals affected with congenital fibrosis of extraocular muscles and is reported to segregate with disease in multiple families (Al-Haddad C et al., PMID: 33251926; Chen M et al., PMID: 36138147; Yamada K et al., PMID: 14595441). This variant is absent from the general population (gnomAD v.2.1.1), indicating it is not a common variant. In vivo mouse models demonstrate that this variant results in a gain-of-function effect through attenuation of KIF21A autoinhibition (Cheng L et al., PMID: 24656932). Furthermore, computational predictors indicate that the variant is damaging, evidence that correlates with impact to KIF21A function. Two additional variants in the same codon, c.2861G>T (p.Arg954Leu) and c.2861G>C (p.Arg954Gln), have been reported in affected individuals and are considered pathogenic (Yamada K et al., PMID: 14595441; Yang X et al., PMID: 21042561; ClinVar Variation ID: 2437). This variant has been reported in the ClinVar database as a germline pathogenic variant by nine submitters. Based on available information and the ACMG/AMP guidelines for variant interpretation (Richards S et al., PMID: 25741868), this variant is classified as pathogenic.

Institute for Clinical Genetics, University Hospital TU Dresden, University Hospital TU Dresden
Classification: Pathogenic for Congenital fibrosis of extraocular muscles type 1. Last evaluated: 2023-02-22. Review status: criteria provided, single submitter. Criteria: ACMG Guidelines, 2015. Collection method: clinical testing. Allele origin: maternal. Affected: yes.
Comment: The variant in the KIF21A gene is a missense change that results in an amino acid exchange at position 954 in the corresponding protein due to a base exchange at position 2860 of the cDNA. This variant is listed 9 times in the ClinVar database and is classified as pathogenic. Bioinformatic prediction algorithms (MetaLR, MetaSVM) estimate the variant to be ambiguous for effects on protein function. In the gnomAD database, this variant has not yet been found in healthy individuals. Empirically, the gene does not show increased sensitivity to missense variants (Z-score 2.65). The variant found here is known and described as the most common alteration in the gene as a cause of CFEOM (PMID: 17511870). Other disease-causing variants have also been described at the same amino acid position (PMID: 17511870, PMID: 14595441). The amino acid is located in the coiled-coil region of the protein, which consists of a repeating consensus sequence, also called a heptad pattern. Non-polar amino acids must occur at certain positions to ensure the stability of the protein to interact with other proteins. The variant found here affects one such position (PMID: 17511870). KIF21A interacts with Kank1 and regulates its distribution in the cell, which may be important for neurite growth (PMID: 19559006). According to current ACMG recommendations for variant assessment (PMID 25741868), criteria PS3, PS4, PM1, and PM2_SUP are fulfilled, resulting in an assessment as a pathogenic variant (ACMG class 5).

NM_001173464.2(KIF21A):c.2860C>T (p.Arg954Trp)

Gene: KIF21A (kinesin family member 21A; minus strand). Cytogenetic location: 12q12.
Variant type: single nucleotide variant.
Coding change: c.2860C>T on transcript NM_001173464.2 (MANE Select); coding-DNA position 2860, C replaced by T.
Protein change: p.Arg954Trp; replaces arginine 954 with tryptophan.
Molecular consequence: missense variant.
Genome position (GRCh38, 1-based): chr12:39,332,405, G>A on the plus strand (C>T on the coding strand, the complement: KIF21A is on the minus strand). VCF-style: chr12-39332405-G-A. GRCh37 (hg19) VCF-style: chr12-39726207-G-A.
Other names: NM_001173464.2(KIF21A):c.2860C>T; c.2821C>T, p.Arg941Trp (NM_001173463.2, NM_017641.4); c.2752C>T, p.Arg918Trp (NM_001173465.2); short protein forms R954W, R941W, R918W.
Identifiers: ClinVar variation 2436 (VCV000002436.60), dbSNP rs121912585, ClinGen allele CA115554.